The following is an entry in ClinVar:

ClinVar aggregate classification (germline): Uncertain significance (1 of 4 stars; one submission).

Conditions:
Pyogenic arthritis-pyoderma gangrenosum-acne syndrome (PAPA). Also called: FAMILIAL RECURRENT ARTHRITIS; PAPA SYNDROME. Identifiers: Orphanet 69126, MedGen C1858361, MONDO:0011462, OMIM 604416.

gnomAD v4.1: 19 of 1,567,742 alleles (0.0012%); highest among the groups gnomAD compares: Non-Finnish European, 0.0016%; no homozygotes.

Submission:

Labcorp Genetics (formerly Invitae), Labcorp
Classification: Uncertain significance for Pyogenic arthritis-pyoderma gangrenosum-acne syndrome. Last evaluated: 2023-08-02. Review status: criteria provided, single submitter. Criteria: Invitae Variant Classification Sherloc (09022015). Collection method: clinical testing. Allele origin: germline.
Comment: This sequence change replaces serine, which is neutral and polar, with tryptophan, which is neutral and slightly polar, at codon 132 of the PSTPIP1 protein (p.Ser132Trp). This variant is not present in population databases (gnomAD no frequency). This variant has not been reported in the literature in individuals affected with PSTPIP1-related conditions. Advanced modeling of protein sequence and biophysical properties (such as structural, functional, and spatial information, amino acid conservation, physicochemical variation, residue mobility, and thermodynamic stability) performed at Invitae indicates that this missense variant is expected to disrupt PSTPIP1 protein function. In summary, the available evidence is currently insufficient to determine the role of this variant in disease. Therefore, it has been classified as a Variant of Uncertain Significance.

NM_003978.5(PSTPIP1):c.395C>G (p.Ser132Trp)

Gene: PSTPIP1 (proline-serine-threonine phosphatase interacting protein 1; plus strand). Cytogenetic location: 15q24.3.
Variant type: single nucleotide variant.
Coding change: c.395C>G on transcript NM_003978.5 (MANE Select); coding-DNA position 395, C replaced by G.
Protein change: p.Ser132Trp; replaces serine 132 with tryptophan.
Molecular consequence: missense variant. On other transcripts: non-coding transcript variant (1).
Genome position (GRCh38, 1-based): chr15:77,027,892, C>G. VCF-style: chr15-77027892-C-G. GRCh37 (hg19) VCF-style: chr15-77320233-C-G.
Other names: c.395C>G, p.Ser132Trp (NM_001321135.2, NM_001411086.1); c.368C>G, p.Ser123Trp (NM_001321136.2); c.590C>G, p.Ser197Trp (NM_001321137.1); short protein forms S132W, S123W, S197W.
Identifiers: ClinVar variation 3012570 (VCV003012570.3), dbSNP rs777409558, ClinGen allele CA273754516.
Genomic context (GRCh38, chr15:77,027,892, plus strand): 5'-GAACCTCGTGTCCCCTGCAGTATGAGGCCGTCATGGACCGGGTCCAGAAGAGCAAGCTGT[C>G]GCTCTACAAGAAGGCCATGGAGGTGAGCGCCAGGGCCTGGGGCCGCGGCCTTCCCTCGAG-3'
Protein context (NP_003969.2, residues 122-142): VMDRVQKSKL[Ser132Trp]LYKKAMESKK